The following is an entry in ClinVar:

NM_000179.3(MSH6):c.3920del (p.Asn1307fs)

Gene: MSH6 (mutS homolog 6; plus strand). Cytogenetic location: 2p16.3.
Variant type: Deletion.
Coding change: c.3920del on transcript NM_000179.3 (MANE Select); coding-DNA position 3920, one base deleted (A; older notation c.3920delA).
Protein change: p.Asn1307fs; shifts the reading frame from asparagine 1307.
Molecular consequence: frameshift variant.
Genome position (GRCh38, 1-based): chr2:47,806,570, A deleted; the last of 2 consecutive A bases (chr2:47,806,569-47,806,570); deleting either gives the same sequence. VCF-style (leftmost placement, unchanged base first): chr2-47806568-TA-T. GRCh37 (hg19) VCF-style: chr2-48033707-TA-T.
Other names: c.3530del, p.Asn1177fs (NM_001281492.2); c.3014del, p.Asn1005fs (NM_001281493.2, NM_001281494.2); c.3920delA (NM_000179.2); short protein forms N1005fs, N1177fs, N1307fs.
Identifiers: ClinVar variation 428388 (VCV000428388.15), dbSNP rs1114167760, ClinGen allele CA645369297.

ClinVar aggregate classification (germline): Pathogenic. Review status: criteria provided, multiple submitters, no conflicts (2 of 4 stars). 3 submissions from 3 submitters: Pathogenic (3). Last evaluated 2023-08-28.

Conditions:
Lynch syndrome 5 (LYNCH5). Also called: Hereditary non-polyposis colorectal cancer, type 5; Colorectal cancer, hereditary nonpolyposis, type 5. Identifiers: Orphanet 144, MedGen C1833477, MONDO:0013710, OMIM 614350. Disease mechanism: loss of function.
Hereditary nonpolyposis colorectal neoplasms. Identifiers: MedGen C0009405, MeSH D003123.
Hereditary cancer-predisposing syndrome. Also called: Hereditary Cancer Syndrome; Neoplastic Syndromes, Hereditary; Hereditary neoplastic syndrome; Tumor predisposition. Identifiers: Orphanet 140162, MedGen C0027672, MeSH D009386, MONDO:0015356.

Submissions (3):

Myriad Genetics, Inc.
Classification: Pathogenic for Lynch syndrome 5. Last evaluated: 2023-08-28. Review status: criteria provided, single submitter. Criteria: Myriad Autosomal Dominant, Autosomal Recessive and X-Linked Classification Criteria (2023). Collection method: clinical testing. Allele origin: unknown.
Comment: This variant is considered pathogenic. This variant creates a frameshift predicted to result in premature protein truncation.

Labcorp Genetics (formerly Invitae), Labcorp
Classification: Pathogenic for Hereditary nonpolyposis colorectal neoplasms. Last evaluated: 2022-08-12. Review status: criteria provided, single submitter. Criteria: Invitae Variant Classification Sherloc (09022015). Collection method: clinical testing. Allele origin: germline.
Comment: This variant is not present in population databases (gnomAD no frequency). This sequence change creates a premature translational stop signal (p.Asn1307Ilefs*20) in the MSH6 gene. While this is not anticipated to result in nonsense mediated decay, it is expected to disrupt the last 54 amino acid(s) of the MSH6 protein. This variant has not been reported in the literature in individuals affected with MSH6-related conditions. For these reasons, this variant has been classified as Pathogenic. This variant disrupts a region of the MSH6 protein in which other variant(s) (p.Arg1334Hisfs*14) have been determined to be pathogenic (PMID: 24323032; Invitae). This suggests that this is a clinically significant region of the protein, and that variants that disrupt it are likely to be disease-causing. ClinVar contains an entry for this variant (Variation ID: 428388).

Ambry Genetics
Classification: Pathogenic for Hereditary cancer-predisposing syndrome. Last evaluated: 2015-08-13. Review status: criteria provided, single submitter. Criteria: Ambry Variant Classification Scheme 2023. Collection method: clinical testing. Allele origin: germline.
Comment: The c.3920delA pathogenic mutation, located in coding exon 9 of the MSH6 gene, results from a deletion of one nucleotide at position 3920, causing a translational frameshift with a predicted alternate stop codon. Since frameshifts are typically deleterious in nature, this alteration is interpreted as a disease-causing mutation (ACMG Recommendations for Standards for Interpretation and Reporting of Sequence Variations. Revision 2007. Genet Med. 2008;10:294).

Literature cited by the submitters: PubMed 24323032 (cited by Labcorp Genetics (formerly Invitae), Labcorp).